The following is an entry in ClinVar:

NM_024721.5(ZFHX4):c.10804_10811del (p.Gly3601_Leu3602insTer)

Gene: ZFHX4 (zinc finger homeobox 4; plus strand). Cytogenetic location: 8q21.13.
Variant type: Deletion.
Coding change: c.10804_10811del on transcript NM_024721.5 (MANE Select); coding-DNA positions 10804 to 10811, 8 bases deleted (CTAGATGG; older notation c.10804_10811delCTAGATGG).
Protein change: p.Gly3601_Leu3602insTer.
Molecular consequence: nonsense.
Genome position (GRCh38, 1-based): chr8:76,864,518-76,864,525, CTAGATGG deleted. VCF-style (leftmost placement, unchanged base first): chr8-76864517-CCTAGATGG-C. GRCh37 (hg19) VCF-style: chr8-77776753-CCTAGATGG-C.
Other names: c.10726_10733del, p.Gly3575_Leu3576insTer (NM_001410934.1).
Identifiers: ClinVar variation 4532104 (VCV004532104.1).

ClinVar aggregate classification (germline): Uncertain significance (1 of 4 stars; one submission).

Conditions:
Neurodevelopmental disorder. Identifiers: MedGen C1535926, MeSH D065886, MONDO:0700092.

Submission:

Victorian Clinical Genetics Services, Murdoch Childrens Research Institute
Classification: Uncertain significance for Neurodevelopmental disorder. Last evaluated: 2024-12-23. Review status: criteria provided, single submitter. Criteria: ACMG Guidelines, 2015. Collection method: clinical testing. Allele origin: germline. Affected: yes.
Comment: This variant is classified as VUS-3B. Evidence in support of pathogenic classification: Variant is predicted to result in a truncated protein (premature termination codon is NOT located at least 54 nucleotides upstream of the final exon-exon junction) with less than 1/3 of the protein sequence affected; Variant is absent from gnomAD (v2, v3 and v4). Additional information: This variant is heterozygous; This gene is associated with autosomal dominant disease; This variant has no previous evidence of pathogenicity; No published segregation evidence has been identified for this variant; No published functional evidence has been identified for this variant; No comparable protein truncating variants have previous evidence for pathogenicity; Loss of function is a known mechanism of disease in this gene and is associated with neurodevelopmental disorder, ZFHX4-related (MONDO:0700092); Inheritance information for this variant is not currently available in this individual.